The following is an entry in ClinVar:

ClinVar aggregate classification (germline): Uncertain significance (1 of 4 stars; one submission).

gnomAD v4.1: 3 of 1,614,194 alleles (0.00019%); highest among the groups gnomAD compares: Non-Finnish European, 0.00025%; no homozygotes.

Submission:

Labcorp Genetics (formerly Invitae), Labcorp
Classification: Uncertain significance. Last evaluated: 2022-04-09. Review status: criteria provided, single submitter. Criteria: Invitae Variant Classification Sherloc (09022015). Collection method: clinical testing. Allele origin: germline.
Comment: In summary, the available evidence is currently insufficient to determine the role of this variant in disease. Therefore, it has been classified as a Variant of Uncertain Significance. Algorithms developed to predict the effect of missense changes on protein structure and function are either unavailable or do not agree on the potential impact of this missense change (SIFT: "Tolerated"; PolyPhen-2: "Possibly Damaging"; Align-GVGD: "Class C0"). This variant has not been reported in the literature in individuals affected with USH2A-related conditions. This variant is not present in population databases (gnomAD no frequency). This sequence change replaces glycine, which is neutral and non-polar, with arginine, which is basic and polar, at codon 4339 of the USH2A protein (p.Gly4339Arg).

NM_206933.4(USH2A):c.13015G>C (p.Gly4339Arg)

Gene: USH2A (usherin; minus strand). Cytogenetic location: 1q41.
Variant type: single nucleotide variant.
Coding change: c.13015G>C on transcript NM_206933.4 (MANE Select); coding-DNA position 13015, G replaced by C.
Protein change: p.Gly4339Arg; replaces glycine 4339 with arginine.
Molecular consequence: missense variant.
Genome position (GRCh38, 1-based): chr1:215,674,896, C>G on the plus strand (G>C on the coding strand, the complement: USH2A is on the minus strand). VCF-style: chr1-215674896-C-G. GRCh37 (hg19) VCF-style: chr1-215848238-C-G.
Other names: short protein forms G4339R.
Identifiers: ClinVar variation 1970030 (VCV001970030.4), dbSNP rs1408394369, ClinGen allele CA344847825.
Genomic context (GRCh38, chr1:215,674,896, plus strand): 5'-CTTCTGATGGAGCAGCCTCCAGAGTTGTGATGCTGGTGGGTTTGCTGGTGGAGCATCCTC[C>G]ACTCGTGCAGGCTTGGAGTGCATAGCTATAGGTGGAAAAAGGAAGAAGCTCTTCATCAGT-3'
Protein context (NP_996816.3, residues 4329-4349): YSYALQACTS[Gly4339Arg]GCSTSKPTSI